The following is an entry in ClinVar:

NM_001448.3(GPC4):c.878-7A>C

Gene: GPC4 (glypican 4; minus strand). Cytogenetic location: Xq26.2.
Variant type: single nucleotide variant.
Coding change: c.878-7A>C on transcript NM_001448.3 (MANE Select); 7 bases into the intron before coding-DNA position 878, A replaced by C.
Molecular consequence: intron variant.
Genome position (GRCh38, 1-based): chrX:133,306,161, T>G on the plus strand (A>C on the coding strand, the complement: GPC4 is on the minus strand). VCF-style: chrX-133306161-T-G. GRCh37 (hg19) VCF-style: chrX-132440189-T-G.
Identifiers: ClinVar variation 3033420 (VCV003033420.2), dbSNP rs1222872039, ClinGen allele CA644577976.

ClinVar aggregate classification (germline): Likely benign (0 of 4 stars; one submission).

Conditions:
GPC4-related disorder. Also called: GPC4-related condition.

Allele frequency attached by ClinVar (database versions not stated): gnomAD exomes below 0.00001.
gnomAD v4.1: 4 of 1,210,978 alleles (0.00033%); highest among the groups gnomAD compares: East Asian, 0.012%; no homozygotes.

Submission:

PreventionGenetics, part of Exact Sciences
Classification: Likely benign for GPC4-related condition. Last evaluated: 2019-06-06. Review status: no assertion criteria provided. Collection method: clinical testing. Allele origin: germline.
Comment: This variant is classified as likely benign based on ACMG/AMP sequence variant interpretation guidelines (Richards et al. 2015 PMID: 25741868, with internal and published modifications).